The following is an entry in ClinVar:

NM_000268.4(NF2):c.1013G>A (p.Arg338His)

Gene: NF2 (NF2, moesin-ezrin-radixin like (MERLIN) tumor suppressor; plus strand). Cytogenetic location: 22q12.2.
Variant type: single nucleotide variant.
Coding change: c.1013G>A on transcript NM_000268.4 (MANE Select); coding-DNA position 1013, G replaced by A.
Protein change: p.Arg338His; replaces arginine 338 with histidine.
Molecular consequence: missense variant. On other transcripts: non-coding transcript variant (1), intron variant (1).
Genome position (GRCh38, 1-based): chr22:29,671,839, G>A. VCF-style: chr22-29671839-G-A. GRCh37 (hg19) VCF-style: chr22-30067828-G-A.
Other names: c.1013G>A, p.Arg338His (NM_016418.5, NM_181825.3, NM_181832.3); c.887G>A, p.Arg296His (NM_181828.3); c.890G>A, p.Arg297His (NM_181829.3); c.764G>A, p.Arg255His (NM_181830.3, NM_181831.3); c.448-22913G>A (NM_181833.3); short protein forms R338H, R296H, R255H, R297H.
Identifiers: ClinVar variation 527707 (VCV000527707.18), dbSNP rs768053145, ClinGen allele CA036569.

ClinVar aggregate classification (germline): Conflicting classifications of pathogenicity. Review status: criteria provided, conflicting classifications (1 of 4 stars). 7 submissions from 7 submitters: Uncertain significance (4); Likely benign (3). Last evaluated 2026-01-27.

Conditions:
Hereditary cancer-predisposing syndrome. Also called: Neoplastic Syndromes, Hereditary; Hereditary Cancer Syndrome; Tumor predisposition; Hereditary neoplastic syndrome. Identifiers: Orphanet 140162, MedGen C0027672, MeSH D009386, MONDO:0015356.
Neurofibromatosis, type 2 (SWNV). Also called: BILATERAL ACOUSTIC NEUROFIBROMATOSIS; NF2-Related Schwannomatosis; SCHWANNOMATOSIS, VESTIBULAR. Identifiers: Orphanet 637, MedGen C0027832, MONDO:0007039, OMIM 101000. Disease mechanism: loss of function.

Allele frequency attached by ClinVar (database versions not stated): gnomAD exomes 0.00001 and 0.00002; gnomAD 0.00002; TOPMed 0.00002; ExAC 0.00003.
gnomAD v4.1: 15 of 1,613,902 alleles (0.00093%); highest among the groups gnomAD compares: African/African-American, 0.0053%; no homozygotes.

Submissions (7):

Labcorp Genetics (formerly Invitae), Labcorp
Classification: Likely benign for Neurofibromatosis, type 2. Last evaluated: 2026-01-27. Review status: criteria provided, single submitter. Criteria: Invitae Variant Classification Sherloc (09022015). Collection method: clinical testing. Allele origin: germline.

Clinical Genomics Laboratory, Washington University in St. Louis
Classification: Uncertain significance for Neurofibromatosis, type 2. Last evaluated: 2025-12-16. Review status: criteria provided, single submitter. Criteria: ACMG Guidelines, 2015. Collection method: clinical testing. Allele origin: germline.
Comment: An NF2 c.1013G>A (p.Arg338His) variant was identified at a heterozygous allelic fraction of 50.1%, a frequency which may be consistent with it being of germline origin. This variant has been reported in one individual affected with neurofibromatosis type 2 (Demange L et al., PMID: 18033041), but this variant, to our knowledge, has not been reported in the medical literature in hemihyperplasia. It has been reported in the ClinVar database as a germline variant of uncertain significance by four submitters and a germline likely benign variant by one submitter (Variation ID: 527707). It is only observed on 15/1,613,902 alleles in the general population (gnomAD v4.1.0), indicating it is not a common variant. Computational predictors are uncertain as to the impact of this variant on NF2 function. Due to limited information, and based on ACMG/AMP guidelines for variant interpretation (Richards S et al., PMID: 25741868), the clinical significance of this variant is uncertain at this time.

Color Diagnostics, LLC DBA Color Health
Classification: Likely benign for Neurofibromatosis, type 2. Last evaluated: 2025-07-05. Review status: criteria provided, single submitter. Criteria: ACMG Guidelines, 2015. Collection method: clinical testing. Allele origin: germline.

All of Us Research Program, National Institutes of Health
Classification: Uncertain significance for Neurofibromatosis, type 2. Last evaluated: 2023-08-08. Review status: criteria provided, single submitter. Criteria: ACMG Guidelines, 2015. Collection method: clinical testing. Allele origin: germline. Inheritance: Autosomal dominant inheritance. Observed: 1 variant allele, 1 heterozygote.
Comment: This missense variant replaces arginine with histidine at codon 338 of the NF2 protein. Computational prediction suggests that this variant may not impact protein structure and function (internally defined REVEL score threshold <= 0.5, PMID: 27666373). To our knowledge, functional studies have not been reported for this variant. This variant has been reported in an individual affected with neurofibromatosis type 1 (PMID: 18033041). This variant has been identified in 4/251414 chromosomes in the general population by the Genome Aggregation Database (gnomAD). The available evidence is insufficient to determine the role of this variant in disease conclusively. Therefore, this variant is classified as a Variant of Uncertain Significance.

This study involves interpretation of variants in research participants for the purpose of population health screening. Participant phenotype was not available at the time of variant classification. Additional details can be found in publication PMID: 35346344, PMCID: PMC8962531

Ambry Genetics
Classification: Likely benign for Hereditary cancer-predisposing syndrome. Last evaluated: 2022-12-28. Review status: criteria provided, single submitter. Criteria: Ambry Variant Classification Scheme 2023. Collection method: clinical testing. Allele origin: germline.

Genome-Nilou Lab
Classification: Uncertain significance for Neurofibromatosis, type 2. Last evaluated: 2021-11-07. Review status: criteria provided, single submitter. Criteria: ACMG Guidelines, 2015. Collection method: clinical testing. Allele origin: germline. Affected: no.

Mendelics
Classification: Uncertain significance for Neurofibromatosis, type 2. Last evaluated: 2018-07-02. Review status: criteria provided, single submitter. Criteria: Mendelics Assertion Criteria 2017. Collection method: clinical testing. Allele origin: unknown.

Literature cited by the submitters: PubMed 18033041 (cited by All of Us Research Program, National Institutes of Health and Ambry Genetics).